The following is an entry in ClinVar:

NM_001079802.2(FKTN):c.*5618T>A

Gene: FKTN (fukutin; plus strand). Cytogenetic location: 9q31.2.
Variant type: single nucleotide variant.
Coding change: c.*5618T>A on transcript NM_001079802.2 (MANE Select); 5618 bases downstream of the stop codon, T replaced by A.
Molecular consequence: 3 prime UTR variant. On other transcripts: non-coding transcript variant (2).
Genome position (GRCh38, 1-based): chr9:105,640,882, T>A. VCF-style: chr9-105640882-T-A. GRCh37 (hg19) VCF-style: chr9-108403163-T-A.
Other names: c.*759T>A (NM_001198963.2); c.*5618T>A (NM_001351496.2, NM_001351497.2, NM_001351499.2 and 4 more transcripts); c.*5796T>A (NM_001351498.2).
Identifiers: ClinVar variation 364532 (VCV000364532.8), dbSNP rs1048215, ClinGen allele CA10632180.

ClinVar aggregate classification (germline): Benign/Likely benign. Review status: criteria provided, multiple submitters, no conflicts (2 of 4 stars). 4 submissions from 3 submitters: Benign (2); Likely benign (2). Last evaluated 2021-05-11.

Conditions:
Muscular dystrophy-dystroglycanopathy (congenital with brain and eye anomalies), type A, 4 (MDDGA4). Also called: WALKER-WARBURG SYNDROME OR MUSCLE-EYE-BRAIN DISEASE, FKTN-RELATED; Walker-Warburg Syndrome, Fktn-Related; Congenital muscular dystrophy-dystroglycanopathy with brain and eye anomalies, type A4; Muscular dystrophy, congenital progressive, with mental retardation; Muscular dystrophy, congenital, with central nervous system involvement; Cerebromuscular dystrophy, Fukuyama type. Identifiers: Orphanet 272, Orphanet 588, Orphanet 899, MedGen C0410174, MONDO:0009678, OMIM 253800.
Dilated cardiomyopathy 1X (CMD1X). Also called: FKTN-Related Dilated Cardiomyopathy; CARDIOMYOPATHY, DILATED, WITH MILD OR NO PROXIMAL MUSCLE WEAKNESS. Identifiers: Orphanet 154, MedGen C1969024, MONDO:0012704, OMIM 611615.

Allele frequency attached by ClinVar (database versions not stated): gnomAD 0.12282 and 0.12807; TOPMed 0.12811; 1000 Genomes Project 30x 0.20222; 1000 Genomes Project 0.20946.

Submissions (4):

GeneDx
Classification: Benign. Last evaluated: 2021-05-11. Review status: criteria provided, single submitter. Criteria: GeneDx Variant Classification Process June 2021. Collection method: clinical testing. Allele origin: germline. Affected: yes.

Illumina Laboratory Services, Illumina
Classification: Benign for Muscular dystrophy-dystroglycanopathy (congenital with brain and eye anomalies), type A, 4. Last evaluated: 2018-01-13. Review status: criteria provided, single submitter. Criteria: ICSL Variant Classification Criteria 13 December 2019. Collection method: clinical testing. Allele origin: germline.
Comment: This variant was observed in the ICSL laboratory as part of a predisposition screen in an ostensibly healthy population. It had not been previously curated by ICSL or reported in the Human Gene Mutation Database (HGMD: prior to June 1st, 2018), and was therefore a candidate for classification through an automated scoring system. Utilizing variant allele frequency, disease prevalence and penetrance estimates, and inheritance mode, an automated score was calculated to assess if this variant is too frequent to cause the disease. Based on the score and internal cut-off values, a variant classified as benign is not then subjected to further curation. The score for this variant resulted in a classification of benign for this disease.

Illumina Laboratory Services, Illumina
Classification: Likely benign for Dilated cardiomyopathy 1X. Last evaluated: 2018-01-13. Review status: criteria provided, single submitter. Criteria: ICSL Variant Classification Criteria 13 December 2019. Collection method: clinical testing. Allele origin: germline.
Comment: This variant was observed in the ICSL laboratory as part of a predisposition screen in an ostensibly healthy population. It had not been previously curated by ICSL or reported in the Human Gene Mutation Database (HGMD: prior to June 1st, 2018), and was therefore a candidate for classification through an automated scoring system. Utilizing variant allele frequency, disease prevalence and penetrance estimates, and inheritance mode, an automated score was calculated to assess if this variant is too frequent to cause the disease. Based on the score and internal cut-off values, a variant classified as likely benign is not then subjected to further curation. The score for this variant resulted in a classification of likely benign for this disease.

Breakthrough Genomics
Classification: Likely benign. Review status: criteria provided, single submitter. Criteria: ACMG Guidelines, 2015. Collection method: not provided. Allele origin: germline. Inheritance: Autosomal recessive inheritance. Affected: yes.